The following is an entry in ClinVar:

NM_000138.5(FBN1):c.3598G>T (p.Glu1200Ter)

Gene: FBN1 (fibrillin 1; minus strand). Cytogenetic location: 15q21.1.
Variant type: single nucleotide variant.
Coding change: c.3598G>T on transcript NM_000138.5 (MANE Select); coding-DNA position 3598, G replaced by T.
Protein change: p.Glu1200Ter; replaces glutamic acid 1200 with a stop codon.
Molecular consequence: nonsense.
Genome position (GRCh38, 1-based): chr15:48,485,488, C>A on the plus strand (G>T on the coding strand, the complement: FBN1 is on the minus strand). VCF-style: chr15-48485488-C-A. GRCh37 (hg19) VCF-style: chr15-48777685-C-A.
Other names: c.3598G>T, p.Glu1200Ter (NM_001406716.1); short protein forms E1200*.
Identifiers: ClinVar variation 4813324 (VCV004813324.1).

ClinVar aggregate classification (germline): Likely pathogenic (1 of 4 stars; one submission).

Conditions:
Marfan syndrome (MFS). Also called: FBN1-Related Marfan Syndrome; MARFAN SYNDROME, TYPE I; Marfan syndrome type 1; Marfan's syndrome; Marfan syndrome, classic. Identifiers: Orphanet 284963, Orphanet 558, MedGen C0024796, MONDO:0007947, OMIM 154700.

Submission:

Clinical Genetic Center, Kansai Medical University
Classification: Likely pathogenic for Marfan syndrome. Last evaluated: 2026-02-26. Review status: criteria provided, single submitter. Criteria: ACMG Guidelines, 2015. Collection method: clinical testing. Allele origin: germline. Inheritance: Autosomal dominant inheritance. Affected: yes. Observed: 1 variant allele.
Comment: • PVS1 (Very Strong): Nonsense variant predicted to undergo NMD. • PM2_sup: Absent from gnomAD. • Definitive Haploinsufficiency mechanism.